The following is an entry in ClinVar:

ClinVar aggregate classification (germline): Uncertain significance (1 of 4 stars; one submission).

Conditions:
Amelocerebrohypohidrotic syndrome (KTZS). Also called: Kohlschutter's syndrome; EPILEPSY AND YELLOW TEETH; EPILEPSY, DEMENTIA, AND AMELOGENESIS IMPERFECTA; KOHLSCHUTTER SYNDROME. Identifiers: Orphanet 1946, MedGen C0406740, MONDO:0009185, OMIM 226750.

gnomAD v4.1: 1 of 1,614,060 alleles (0.000062%); highest among the groups gnomAD compares: Non-Finnish European, 0.000085%; no homozygotes.

Submission:

Center for Genomics, Ann and Robert H. Lurie Children's Hospital of Chicago
Classification: Uncertain significance for Amelocerebrohypohidrotic syndrome. Last evaluated: 2022-03-30. Review status: criteria provided, single submitter. Criteria: ACMG Guidelines, 2015. Collection method: clinical testing. Allele origin: germline.
Comment: This variant has not been reported in the literature and is not present in large control databases. Evolutionary conservation and computational predictive tools suggest that this variant may impact the protein. In summary, data on this variant is insufficient for disease classification. Therefore, the clinical significance of this variant is uncertain.

NM_024589.3(ROGDI):c.586C>T (p.Leu196Phe)

Gene: ROGDI (rogdi atypical leucine zipper; minus strand). Cytogenetic location: 16p13.3.
Variant type: single nucleotide variant.
Coding change: c.586C>T on transcript NM_024589.3 (MANE Select); coding-DNA position 586, C replaced by T.
Protein change: p.Leu196Phe; replaces leucine 196 with phenylalanine.
Molecular consequence: missense variant. On other transcripts: non-coding transcript variant (1).
Genome position (GRCh38, 1-based): chr16:4,798,130, G>A on the plus strand (C>T on the coding strand, the complement: ROGDI is on the minus strand). VCF-style: chr16-4798130-G-A. GRCh37 (hg19) VCF-style: chr16-4848131-G-A.
Other names: short protein forms L196F.
Identifiers: ClinVar variation 2500078 (VCV002500078.1), dbSNP rs752188428, ClinGen allele CA394650330.